The following is an entry in ClinVar:

NM_001358235.2(DCHS2):c.4816G>A (p.Ala1606Thr)

Gene: DCHS2 (dachsous cadherin-related 2; minus strand). Cytogenetic location: 4q31.3.
Variant type: single nucleotide variant.
Coding change: c.4816G>A on transcript NM_001358235.2 (MANE Select); coding-DNA position 4816, G replaced by A.
Protein change: p.Ala1606Thr; replaces alanine 1606 with threonine.
Molecular consequence: missense variant.
Genome position (GRCh38, 1-based): chr4:154,320,583, C>T on the plus strand (G>A on the coding strand, the complement: DCHS2 is on the minus strand). VCF-style: chr4-154320583-C-T. GRCh37 (hg19) VCF-style: chr4-155241735-C-T.
Other names: short protein forms A1606T.
Identifiers: ClinVar variation 3055439 (VCV003055439.2), dbSNP rs79535970, ClinGen allele CA3112788.

ClinVar aggregate classification (germline): Benign (0 of 4 stars; one submission).

Conditions:
DCHS2-related disorder. Also called: DCHS2-related condition.

Allele frequency attached by ClinVar (database versions not stated): 1000 Genomes Project 30x 0.01843; 1000 Genomes Project 0.01957; TOPMed 0.03681; gnomAD 0.03776; ExAC 0.03819; ESP Exome Variant Server 0.04682.
gnomAD v4.1: 81,269 of 1,614,082 alleles (5%); highest among the groups gnomAD compares: Non-Finnish European, 6%; 2,331 homozygotes.

Submission:

PreventionGenetics, part of Exact Sciences
Classification: Benign for DCHS2-related condition. Last evaluated: 2019-05-09. Review status: no assertion criteria provided. Collection method: clinical testing. Allele origin: germline.
Comment: This variant is classified as benign based on ACMG/AMP sequence variant interpretation guidelines (Richards et al. 2015 PMID: 25741868, with internal and published modifications).